The following is an entry in ClinVar:

NM_001114753.3(ENG):c.179_180delinsAA (p.Ala60Glu)

Gene: ENG (endoglin; minus strand). Cytogenetic location: 9q34.11.
Variant type: Indel.
Coding change: c.179_180delinsAA on transcript NM_001114753.3 (MANE Select); coding-DNA positions 179 to 180, CC replaced by AA.
Protein change: p.Ala60Glu; replaces alanine 60 with glutamic acid.
Molecular consequence: missense variant. On other transcripts: 5 prime UTR variant (1).
Genome position (GRCh38, 1-based): chr9:127,843,133-127,843,134, GG replaced by TT on the plus strand (CC replaced by AA on the coding strand, the reverse complement: ENG is on the minus strand). VCF-style: chr9-127843133-GG-TT. GRCh37 (hg19) VCF-style: chr9-130605412-GG-TT.
Other names: p.Ala60Glu; c.179_180delCCinsAA (NM_000118.3); c.179_180delinsAA (NM_001114753.2, NM_000118.2); c.179_180delCCinsAA, p.Ala60Glu (NM_000118.4, NM_001406715.1); c.-368_-367delinsAA (NM_001278138.2); short protein forms A60E.
Identifiers: ClinVar variation 414311 (VCV000414311.22), dbSNP rs1060504230, ClinGen allele CA16612601.

ClinVar aggregate classification (germline): Benign/Likely benign. Review status: criteria provided, multiple submitters, no conflicts (2 of 4 stars). 5 submissions from 5 submitters: Benign (1); Likely benign (4). Last evaluated 2026-01-13.

Conditions:
Hereditary hemorrhagic telangiectasia (HHT). Also called: ORW DISEASE; Osler Weber Rendu syndrome; OSLER-RENDU-WEBER DISEASE; Osler hemorrhagic telangiectasia syndrome. Identifiers: Orphanet 774, MedGen C0039445, MONDO:0019180. Disease mechanism: loss of function.
Cardiovascular phenotype. Identifiers: MedGen CN230736.
Telangiectasia, hereditary hemorrhagic, type 1 (HHT1). Also called: Osler Weber Rendu syndrome type 1; ENG-Related Hereditary Hemorrhagic Telangiectasia. Identifiers: Orphanet 774, MedGen C4551861, MONDO:0008535, OMIM 187300. Disease mechanism: loss of function.

Submissions (5):

Labcorp Genetics (formerly Invitae), Labcorp
Classification: Likely benign for Hereditary hemorrhagic telangiectasia. Last evaluated: 2026-01-13. Review status: criteria provided, single submitter. Criteria: Invitae Variant Classification Sherloc (09022015). Collection method: clinical testing. Allele origin: germline.

Mayo Clinic Laboratories, Mayo Clinic
Classification: Likely benign. Last evaluated: 2025-02-06. Review status: criteria provided, single submitter. Criteria: ACMG Guidelines, 2015. Collection method: clinical testing. Allele origin: germline. Observed: 1 variant allele.
Comment: BS1

Impact Genetics, Dynacare/LabCorp
Classification: Likely benign for Telangiectasia, hereditary hemorrhagic, type 1. Last evaluated: 2025-01-31. Review status: criteria provided, single submitter. Criteria: DeMille et al. (Hum Mutat. 2024). Collection method: clinical testing. Allele origin: germline.

Ambry Genetics
Classification: Benign for Cardiovascular phenotype. Last evaluated: 2022-08-19. Review status: criteria provided, single submitter. Criteria: Ambry Variant Classification Scheme 2023. Collection method: clinical testing. Allele origin: germline.

GeneDx
Classification: Likely benign. Last evaluated: 2019-10-22. Review status: criteria provided, single submitter. Criteria: GeneDx Variant Classification Process June 2021. Collection method: clinical testing. Allele origin: germline. Affected: yes.
Comment: See Variant Classification Assertion Criteria.

Literature cited by the submitters: PubMed 21158752 (cited by Impact Genetics, Dynacare/LabCorp and Ambry Genetics); PubMed 19299629 (cited by Ambry Genetics).